The following is an entry in ClinVar:

NM_001035.3(RYR2):c.9742C>T (p.Arg3248Cys)

Gene: RYR2 (ryanodine receptor 2; plus strand). Cytogenetic location: 1q43.
Variant type: single nucleotide variant.
Coding change: c.9742C>T on transcript NM_001035.3 (MANE Select); coding-DNA position 9742, C replaced by T.
Protein change: p.Arg3248Cys; replaces arginine 3248 with cysteine.
Molecular consequence: missense variant.
Genome position (GRCh38, 1-based): chr1:237,707,110, C>T. VCF-style: chr1-237707110-C-T. GRCh37 (hg19) VCF-style: chr1-237870410-C-T.
Other names: c.9742C>T, p.Arg3248Cys (LRG_402t1); short protein forms R3248C.
Identifiers: ClinVar variation 518975 (VCV000518975.24), dbSNP rs1290534109, ClinGen allele CA345408698.

ClinVar aggregate classification (germline): Uncertain significance. Review status: criteria provided, multiple submitters, no conflicts (2 of 4 stars). 7 submissions from 7 submitters: Uncertain significance (6). 1 of the submissions does not count toward it. Last evaluated 2025-07-24.

Conditions:
Cardiomyopathy (CMYO). Also called: Cardiomyopathies. Identifiers: Orphanet 167848, MedGen C0878544, MONDO:0004994, HP:0001638. Inheritance: Various modes of inheritance.
Arrhythmogenic right ventricular dysplasia 2. Identifiers: MedGen C1832931.
Ventricular arrhythmias due to cardiac ryanodine receptor calcium release deficiency syndrome. Also called: Autosomal dominant cardiac arrhythmia (Kuhn). Identifiers: MedGen C5542154, MONDO:0020745, OMIM 115000.
Catecholaminergic polymorphic ventricular tachycardia 1. Also called: VENTRICULAR TACHYCARDIA, CATECHOLAMINERGIC POLYMORPHIC, 1, WITH OR WITHOUT ATRIAL DYSFUNCTION AND/OR DILATED CARDIOMYOPATHY; RYR2-Related Catecholaminergic Polymorphic Ventricular Tachycardia; VENTRICULAR TACHYCARDIA, STRESS-INDUCED POLYMORPHIC 1. Identifiers: Orphanet 3286, MedGen C1631597, MONDO:0011484, OMIM 604772.
Cardiovascular phenotype. Identifiers: MedGen CN230736.
Catecholaminergic polymorphic ventricular tachycardia (CVPT). Also called: Catecholamine-induced polymorphic ventricular tachycardia. Identifiers: Orphanet 3286, MedGen C5574922, MONDO:0017990.

Allele frequency attached by ClinVar (database versions not stated): gnomAD exomes 0.00001.
gnomAD v4.1: 15 of 1,613,846 alleles (0.00093%); highest among the groups gnomAD compares: East Asian, 0.0022%; no homozygotes.

Submissions (7):

Ambry Genetics
Classification: Uncertain significance for Cardiovascular phenotype. Last evaluated: 2025-07-24. Review status: criteria provided, single submitter. Criteria: Ambry Variant Classification Scheme 2023. Collection method: clinical testing. Allele origin: germline.
Comment: The p.R3248C variant (also known as c.9742C>T), located in coding exon 68 of the RYR2 gene, results from a C to T substitution at nucleotide position 9742. The arginine at codon 3248 is replaced by cysteine, an amino acid with highly dissimilar properties. This amino acid position is not well conserved in available vertebrate species. In addition, the in silico prediction for this alteration is inconclusive. Since supporting evidence is limited at this time, the clinical significance of this alteration remains unclear.

GeneDx
Classification: Uncertain significance. Last evaluated: 2025-01-02. Review status: criteria provided, single submitter. Criteria: GeneDx Variant Classification Process June 2021. Collection method: clinical testing. Allele origin: germline.
Comment: Not observed at significant frequency in large population cohorts (gnomAD); In silico analysis supports that this missense variant has a deleterious effect on protein structure/function; Not located in one of the three hot-spot regions of the RYR2 gene, where the majority of pathogenic missense variants occur (PMID: 19926015); Has not been previously published as pathogenic or benign to our knowledge; This variant is associated with the following publications: (PMID: 34758253, 19926015)

Labcorp Genetics (formerly Invitae), Labcorp
Classification: Uncertain significance for Catecholaminergic polymorphic ventricular tachycardia 1. Last evaluated: 2024-06-02. Review status: criteria provided, single submitter. Criteria: Invitae Variant Classification Sherloc (09022015). Collection method: clinical testing. Allele origin: germline.
Comment: This sequence change replaces arginine, which is basic and polar, with cysteine, which is neutral and slightly polar, at codon 3248 of the RYR2 protein (p.Arg3248Cys). This variant is present in population databases (no rsID available, gnomAD 0.003%). This variant has not been reported in the literature in individuals affected with RYR2-related conditions. ClinVar contains an entry for this variant (Variation ID: 518975). Advanced modeling of protein sequence and biophysical properties (such as structural, functional, and spatial information, amino acid conservation, physicochemical variation, residue mobility, and thermodynamic stability) performed at Invitae indicates that this missense variant is not expected to disrupt RYR2 protein function with a negative predictive value of 95%. In summary, the available evidence is currently insufficient to determine the role of this variant in disease. Therefore, it has been classified as a Variant of Uncertain Significance.

All of Us Research Program, National Institutes of Health
Classification: Uncertain significance for Catecholaminergic polymorphic ventricular tachycardia. Last evaluated: 2024-05-14. Review status: criteria provided, single submitter. Criteria: ACMG Guidelines, 2015. Collection method: clinical testing. Allele origin: germline. Inheritance: Autosomal dominant inheritance. Observed: 6 variant alleles, 6 heterozygotes.
Comment: This missense variant replaces arginine with cysteine at codon 3248 of the RYR2 protein. Computational prediction tool suggests that this variant may not impact protein structure and function (internally defined REVEL score threshold <=0.5, PMID: 27666373). Splice site prediction tools suggest that this variant may not impact RNA splicing. To our knowledge, functional studies have not been performed for this variant. This variant has not been reported in individuals affected with cardiovascular disorders in the literature. This variant has been identified in 2/249000 chromosomes in the general population by the Genome Aggregation Database (gnomAD). The available evidence is insufficient to determine the role of this variant in disease conclusively. Therefore, this variant is classified as a Variant of Uncertain Significance.

This study involves interpretation of variants in research participants for the purpose of population health screening. Participant phenotype was not available at the time of variant classification. Additional details can be found in publication PMID: 35346344, PMCID: PMC8962531

Color Diagnostics, LLC DBA Color Health
Classification: Uncertain significance for Cardiomyopathy. Last evaluated: 2024-05-02. Review status: criteria provided, single submitter. Criteria: ACMG Guidelines, 2015. Collection method: clinical testing. Allele origin: germline.
Comment: This missense variant replaces arginine with cysteine at codon 3248 of the RYR2 protein. Computational prediction suggests that this variant may not impact protein structure and function (internally defined REVEL score threshold <= 0.5, PMID: 27666373). To our knowledge, functional studies have not been reported for this variant. This variant has not been reported in individuals affected with RYR2-related disorders in the literature. This variant has been identified in 2/249000 chromosomes in the general population by the Genome Aggregation Database (gnomAD). The available evidence is insufficient to determine the role of this variant in disease conclusively. Therefore, this variant is classified as a Variant of Uncertain Significance.

Fulgent Genetics
Classification: Uncertain significance for Ventricular arrhythmias due to cardiac ryanodine receptor calcium release deficiency syndrome; Catecholaminergic polymorphic ventricular tachycardia 1. Last evaluated: 2021-11-03. Review status: criteria provided, single submitter. Criteria: ACMG Guidelines, 2015. Collection method: clinical testing. Allele origin: unknown.

Genomics England Pilot Project, Genomics England
Classification: Likely pathogenic for Catecholaminergic polymorphic ventricular tachycardia 1. Review status: no assertion criteria provided. Criteria: ACGS Guidelines, 2016. Collection method: clinical testing. Allele origin: germline. Affected: yes. Not counted in ClinVar's aggregate classification.